The following is an entry in ClinVar:

ClinVar aggregate classification (germline): Uncertain significance (1 of 4 stars; one submission).

Allele frequency attached by ClinVar (database versions not stated): gnomAD exomes 0.00001.
gnomAD v4.1: 3 of 1,613,736 alleles (0.00019%); highest among the groups gnomAD compares: Non-Finnish European, 0.00025%; no homozygotes.

Submission:

Labcorp Genetics (formerly Invitae), Labcorp
Classification: Uncertain significance. Last evaluated: 2024-02-19. Review status: criteria provided, single submitter. Criteria: Invitae Variant Classification Sherloc (09022015). Collection method: clinical testing. Allele origin: germline.
Comment: This sequence change replaces glutamic acid, which is acidic and polar, with lysine, which is basic and polar, at codon 1278 of the NBAS protein (p.Glu1278Lys). This variant is not present in population databases (gnomAD no frequency). This variant has not been reported in the literature in individuals affected with NBAS-related conditions. ClinVar contains an entry for this variant (Variation ID: 1964425). Advanced modeling of protein sequence and biophysical properties (such as structural, functional, and spatial information, amino acid conservation, physicochemical variation, residue mobility, and thermodynamic stability) performed at Invitae indicates that this missense variant is not expected to disrupt NBAS protein function with a negative predictive value of 95%. In summary, the available evidence is currently insufficient to determine the role of this variant in disease. Therefore, it has been classified as a Variant of Uncertain Significance.

NM_015909.4(NBAS):c.3832G>A (p.Glu1278Lys)

Gene: NBAS (NBAS subunit of NRZ tethering complex; minus strand). Cytogenetic location: 2p24.3.
Variant type: single nucleotide variant.
Coding change: c.3832G>A on transcript NM_015909.4 (MANE Select); coding-DNA position 3832, G replaced by A.
Protein change: p.Glu1278Lys; replaces glutamic acid 1278 with lysine.
Molecular consequence: missense variant. On other transcripts: non-coding transcript variant (1).
Genome position (GRCh38, 1-based): chr2:15,356,402, C>T on the plus strand (G>A on the coding strand, the complement: NBAS is on the minus strand). VCF-style: chr2-15356402-C-T. GRCh37 (hg19) VCF-style: chr2-15496526-C-T.
Other names: short protein forms E1278K.
Identifiers: ClinVar variation 1964425 (VCV001964425.5), dbSNP rs2528600929, ClinGen allele CA345892411.